The following is an entry in ClinVar:

ClinVar aggregate classification (germline): Uncertain significance (1 of 4 stars; one submission).

Submission:

GeneDx
Classification: Uncertain significance. Last evaluated: 2026-04-23. Review status: criteria provided, single submitter. Criteria: GeneDx Variant Classification Process June 2021. Collection method: clinical testing. Allele origin: germline.
Comment: Not observed at significant frequency in large population cohorts (gnomAD); In silico analysis suggests that this missense variant does not alter protein structure/function; Has not been previously published as pathogenic or benign to our knowledge

NM_006164.5(NFE2L2):c.661A>G (p.Thr221Ala)

Gene: NFE2L2 (NFE2 like bZIP transcription factor 2; minus strand). Cytogenetic location: 2q31.2.
Variant type: single nucleotide variant.
Coding change: c.661A>G on transcript NM_006164.5 (MANE Select); coding-DNA position 661, A replaced by G.
Protein change: p.Thr221Ala; replaces threonine 221 with alanine.
Molecular consequence: missense variant.
Genome position (GRCh38, 1-based): chr2:177,231,942, T>C on the plus strand (A>G on the coding strand, the complement: NFE2L2 is on the minus strand). VCF-style: chr2-177231942-T-C. GRCh37 (hg19) VCF-style: chr2-178096670-T-C.
Other names: c.613A>G, p.Thr205Ala (NM_001145412.3, NM_001313900.1, NM_001313901.1); c.592A>G, p.Thr198Ala (NM_001145413.3); c.571A>G, p.Thr191Ala (NM_001313902.2); c.442A>G, p.Thr148Ala (NM_001313903.2); c.361A>G, p.Thr121Ala (NM_001313904.1); short protein forms T121A, T148A, T191A, T198A, T205A, T221A.
Identifiers: ClinVar variation 5037376 (VCV005037376.1).